The following is an entry in ClinVar:

ClinVar aggregate classification (germline): Uncertain significance. Review status: criteria provided, multiple submitters, no conflicts (2 of 4 stars). 2 submissions from 2 submitters: Uncertain significance (2). Last evaluated 2022-10-03.

Conditions:
Congenital myotonia, autosomal recessive form. Also called: BECKER DISEASE; Becker Generalized Myotonia; myotonia congenita, autosomal recessive. Identifiers: Orphanet 614, MedGen C0751360, MONDO:0009715, OMIM 255700.
Congenital myotonia, autosomal dominant form (THD). Also called: THOMSEN DISEASE; Myotonia congenita autosomal dominant. Identifiers: Orphanet 614, MedGen C2936781, MONDO:0008055, OMIM 160800.

gnomAD v4.1: 1 of 1,613,832 alleles (0.000062%); highest among the groups gnomAD compares: Non-Finnish European, 0.000085%; no homozygotes.

Submissions (2):

Labcorp Genetics (formerly Invitae), Labcorp
Classification: Uncertain significance for Congenital myotonia, autosomal recessive form; Congenital myotonia, autosomal dominant form. Last evaluated: 2022-10-03. Review status: criteria provided, single submitter. Criteria: Invitae Variant Classification Sherloc (09022015). Collection method: clinical testing. Allele origin: germline.
Comment: This variant is not present in population databases (gnomAD no frequency). In summary, the available evidence is currently insufficient to determine the role of this variant in disease. Therefore, it has been classified as a Variant of Uncertain Significance. Advanced modeling of protein sequence and biophysical properties (such as structural, functional, and spatial information, amino acid conservation, physicochemical variation, residue mobility, and thermodynamic stability) performed at Invitae indicates that this missense variant is not expected to disrupt CLCN1 protein function. This variant has not been reported in the literature in individuals affected with CLCN1-related conditions. This sequence change replaces proline, which is neutral and non-polar, with alanine, which is neutral and non-polar, at codon 741 of the CLCN1 protein (p.Pro741Ala).

GeneDx
Classification: Uncertain significance. Last evaluated: 2022-05-24. Review status: criteria provided, single submitter. Criteria: GeneDx Variant Classification Process June 2021. Collection method: clinical testing. Allele origin: germline. Affected: yes.
Comment: Not observed at significant frequency in large population cohorts (gnomAD); In silico analysis supports that this missense variant does not alter protein structure/function; Has not been previously published as pathogenic or benign to our knowledge

NM_000083.3(CLCN1):c.2221C>G (p.Pro741Ala)

Gene: CLCN1 (chloride voltage-gated channel 1; plus strand). Cytogenetic location: 7q34.
Variant type: single nucleotide variant.
Coding change: c.2221C>G on transcript NM_000083.3 (MANE Select); coding-DNA position 2221, C replaced by G.
Protein change: p.Pro741Ala; replaces proline 741 with alanine.
Molecular consequence: missense variant. On other transcripts: non-coding transcript variant (1).
Genome position (GRCh38, 1-based): chr7:143,346,188, C>G. VCF-style: chr7-143346188-C-G. GRCh37 (hg19) VCF-style: chr7-143043281-C-G.
Other names: short protein forms P741A.
Identifiers: ClinVar variation 1800898 (VCV001800898.6), dbSNP rs1226988170, ClinGen allele CA369651222.